The following is an entry in ClinVar:

NM_021922.3(FANCE):c.656G>A (p.Arg219Lys)

Gene: FANCE (FA complementation group E; plus strand). Cytogenetic location: 6p21.31.
Variant type: single nucleotide variant.
Coding change: c.656G>A on transcript NM_021922.3 (MANE Select); coding-DNA position 656, G replaced by A.
Protein change: p.Arg219Lys; replaces arginine 219 with lysine.
Molecular consequence: missense variant.
Genome position (GRCh38, 1-based): chr6:35,456,154, G>A. VCF-style: chr6-35456154-G-A. GRCh37 (hg19) VCF-style: chr6-35423931-G-A.
Other names: short protein forms R219K.
Identifiers: ClinVar variation 1691919 (VCV001691919.10), dbSNP rs551170184, ClinGen allele CA363773464.

ClinVar aggregate classification (germline): Uncertain significance. Review status: criteria provided, multiple submitters, no conflicts (2 of 4 stars). 6 submissions from 6 submitters: Uncertain significance (5). 1 of the submissions does not count toward it. Last evaluated 2025-10-10.

Conditions:
Inborn genetic diseases. Identifiers: MedGen C0950123, MeSH D030342.
Fanconi anemia complementation group E (FANCE). Also called: FANCE-Related Fanconi Anemia. Identifiers: Orphanet 84, MedGen C3160739, MONDO:0010953, OMIM 600901.
FANCE-related disorder. Also called: FANCE-related condition.
Fanconi anemia (FA). Also called: Fanconi's anemia. Identifiers: Orphanet 84, MedGen C0015625, MeSH D005199, MONDO:0019391.

Allele frequency attached by ClinVar (database versions not stated): gnomAD 0.00002; TOPMed 0.00001.
gnomAD v4.1: 18 of 1,614,062 alleles (0.0011%); highest among the groups gnomAD compares: Admixed American, 0.0017%; no homozygotes.

Submissions (6):

Labcorp Genetics (formerly Invitae), Labcorp
Classification: Uncertain significance for Fanconi anemia complementation group E. Last evaluated: 2025-10-10. Review status: criteria provided, single submitter. Criteria: Invitae Variant Classification Sherloc (09022015). Collection method: clinical testing. Allele origin: germline.
Comment: This sequence change replaces arginine, which is basic and polar, with lysine, which is basic and polar, at codon 219 of the FANCE protein (p.Arg219Lys). This variant is present in population databases (no rsID available, gnomAD 0.007%). This variant has not been reported in the literature in individuals affected with FANCE-related conditions. ClinVar contains an entry for this variant (Variation ID: 1691919). Invitae Evidence Modeling of protein sequence and biophysical properties (such as structural, functional, and spatial information, amino acid conservation, physicochemical variation, residue mobility, and thermodynamic stability) indicates that this missense variant is not expected to disrupt FANCE protein function with a negative predictive value of 80%. In summary, the available evidence is currently insufficient to determine the role of this variant in disease. Therefore, it has been classified as a Variant of Uncertain Significance.

Dasa
Classification: Uncertain significance for Fanconi anemia complementation group E. Last evaluated: 2024-12-27. Review status: criteria provided, single submitter. Criteria: DASA Assertion Criteria. Collection method: clinical testing. Allele origin: germline.
Comment: NM_021922.3(FANCE):c.656G>A (p.Arg219Lys) is a missense variant that results in the substitution of arginine with lysine. This variant is rare in population databases. Computational prediction algorithms are consistent with a benign effect. The currently available literature and clinical evidence are not sufficient to establish a definitive association between this variant and the reported condition. Therefore, this variant is classified as a variant of uncertain significance.

Fulgent Genetics
Classification: Uncertain significance for Fanconi anemia complementation group E. Last evaluated: 2022-04-28. Review status: criteria provided, single submitter. Criteria: ACMG Guidelines, 2015. Collection method: clinical testing. Allele origin: unknown.

Ambry Genetics
Classification: Uncertain significance for Inborn genetic diseases. Last evaluated: 2022-03-03. Review status: criteria provided, single submitter. Criteria: Ambry Variant Classification Scheme 2023. Collection method: clinical testing. Allele origin: germline.

Sema4
Classification: Uncertain significance for Fanconi anemia. Last evaluated: 2022-03-01. Review status: criteria provided, single submitter. Criteria: Sema4 Curation Guidelines. Collection method: curation. Allele origin: germline.
Comment: The FANCE c.656G>A (p.R219K) variant has not been reported in the literature to our knowledge. This variant was observed in 1/31368 chromosomes across all populations, in the large and broad cohorts of the Genome Aggregation Database (PMID: 32461654). The variant has not been reported in ClinVar. In silico tools suggest the impact of the variant on protein function is benign, though these predictions have not been confirmed by functional studies. The evidence is insufficient to meet ACMG/AMP criteria for classifying the variant as benign or pathogenic. Thus, the clinical significance of this variant is currently uncertain.

PreventionGenetics, part of Exact Sciences
Classification: Uncertain significance for FANCE-related condition. Last evaluated: 2023-12-06. Review status: no assertion criteria provided. Collection method: clinical testing. Allele origin: germline. Not counted in ClinVar's aggregate classification.
Comment: The FANCE c.656G>A variant is predicted to result in the amino acid substitution p.Arg219Lys. To our knowledge, this variant has not been reported in the literature. This variant is reported in 0.0065% of alleles in individuals of European (Non-Finnish) descent in gnomAD. At this time, the clinical significance of this variant is uncertain due to the absence of conclusive functional and genetic evidence.